The following is an entry in ClinVar:

NM_000268.4(NF2):c.94G>A (p.Glu32Lys)

Gene: NF2 (NF2, moesin-ezrin-radixin like (MERLIN) tumor suppressor; plus strand). Cytogenetic location: 22q12.2.
Variant type: single nucleotide variant.
Coding change: c.94G>A on transcript NM_000268.4 (MANE Select); coding-DNA position 94, G replaced by A.
Protein change: p.Glu32Lys; replaces glutamic acid 32 with lysine.
Molecular consequence: missense variant. On other transcripts: non-coding transcript variant (1).
Genome position (GRCh38, 1-based): chr22:29,604,092, G>A. VCF-style: chr22-29604092-G-A. GRCh37 (hg19) VCF-style: chr22-30000081-G-A.
Other names: c.94G>A, p.Glu32Lys (NM_016418.5, NM_181825.3, NM_181828.3 and 5 more transcripts); short protein forms E32K.
Identifiers: ClinVar variation 823288 (VCV000823288.16), dbSNP rs373337083, ClinGen allele CA323099731.

ClinVar aggregate classification (germline): Uncertain significance. Review status: criteria provided, multiple submitters, no conflicts (2 of 4 stars). 4 submissions from 4 submitters: Uncertain significance (4). Last evaluated 2025-06-26.

Conditions:
Neurofibromatosis, type 2 (SWNV). Also called: BILATERAL ACOUSTIC NEUROFIBROMATOSIS; SCHWANNOMATOSIS, VESTIBULAR; NF2-Related Schwannomatosis. Identifiers: Orphanet 637, MedGen C0027832, MONDO:0007039, OMIM 101000. Disease mechanism: loss of function.
Hereditary cancer-predisposing syndrome. Also called: Tumor predisposition; Hereditary Cancer Syndrome; Hereditary neoplastic syndrome; Neoplastic Syndromes, Hereditary. Identifiers: Orphanet 140162, MedGen C0027672, MeSH D009386, MONDO:0015356.

Allele frequency attached by ClinVar (database versions not stated): gnomAD exomes below 0.00001; TOPMed below 0.00001; gnomAD 0.00001; ESP Exome Variant Server 0.00008.

Submissions (4):

Color Diagnostics, LLC DBA Color Health
Classification: Uncertain significance for Neurofibromatosis, type 2. Last evaluated: 2025-06-26. Review status: criteria provided, single submitter. Criteria: ACMG Guidelines, 2015. Collection method: clinical testing. Allele origin: germline.
Comment: This missense variant replaces glutamic acid with lysine at codon 32 of the NF2 protein. Computational prediction is inconclusive regarding the impact of this variant on protein structure and function. To our knowledge, functional studies have not been reported for this variant. This variant has not been reported in individuals affected with NF2-related disorders in the literature. This variant has not been identified in the general population by the Genome Aggregation Database (gnomAD). The available evidence is insufficient to determine the role of this variant in disease conclusively. Therefore, this variant is classified as a Variant of Uncertain Significance.

Genome-Nilou Lab
Classification: Uncertain significance for Neurofibromatosis, type 2. Last evaluated: 2021-11-07. Review status: criteria provided, single submitter. Criteria: ACMG Guidelines, 2015. Collection method: clinical testing. Allele origin: germline. Affected: no.

Labcorp Genetics (formerly Invitae), Labcorp
Classification: Uncertain significance for Neurofibromatosis, type 2. Last evaluated: 2019-10-29. Review status: criteria provided, single submitter. Criteria: Invitae Variant Classification Sherloc (09022015). Collection method: clinical testing. Allele origin: germline.
Comment: In summary, the available evidence is currently insufficient to determine the role of this variant in disease. Therefore, it has been classified as a Variant of Uncertain Significance. Algorithms developed to predict the effect of missense changes on protein structure and function are either unavailable or do not agree on the potential impact of this missense change (SIFT: "Tolerated"; PolyPhen-2: "Possibly Damaging"; Align-GVGD: "Class C0"). This variant has not been reported in the literature in individuals with NF2-related conditions. This variant is not present in population databases (ExAC no frequency). This sequence change replaces glutamic acid with lysine at codon 32 of the NF2 protein (p.Glu32Lys). The glutamic acid residue is moderately conserved and there is a small physicochemical difference between glutamic acid and lysine.

Ambry Genetics
Classification: Uncertain significance for Hereditary cancer-predisposing syndrome. Last evaluated: 2019-01-29. Review status: criteria provided, single submitter. Criteria: Ambry Variant Classification Scheme 2023. Collection method: clinical testing. Allele origin: germline.
Comment: The p.E32K variant (also known as c.94G>A), located in coding exon 1 of the NF2 gene, results from a G to A substitution at nucleotide position 94. The glutamic acid at codon 32 is replaced by lysine, an amino acid with similar properties. This amino acid position is highly conserved in available vertebrate species. In addition, the in silico prediction for this alteration is inconclusive. Since supporting evidence is limited at this time, the clinical significance of this alteration remains unclear.